The following is an entry in ClinVar:

ClinVar aggregate classification (germline): Uncertain significance (1 of 4 stars; one submission).

Conditions:
Spastic paraplegia. Identifiers: MedGen C0037772, HP:0001258.

Allele frequency attached by ClinVar (database versions not stated): gnomAD exomes 0.00001.

Submission:

Labcorp Genetics (formerly Invitae), Labcorp
Classification: Uncertain significance for Spastic paraplegia. Last evaluated: 2021-12-19. Review status: criteria provided, single submitter. Criteria: Invitae Variant Classification Sherloc (09022015). Collection method: clinical testing. Allele origin: germline.
Comment: This sequence change replaces alanine, which is neutral and non-polar, with valine, which is neutral and non-polar, at codon 1395 of the ZFYVE26 protein (p.Ala1395Val). This variant is present in population databases (rs746577074, gnomAD 0.01%). This variant has not been reported in the literature in individuals affected with ZFYVE26-related conditions. Algorithms developed to predict the effect of missense changes on protein structure and function (SIFT, PolyPhen-2, Align-GVGD) all suggest that this variant is likely to be tolerated. Algorithms developed to predict the effect of sequence changes on RNA splicing suggest that this variant may create or strengthen a splice site. In summary, the available evidence is currently insufficient to determine the role of this variant in disease. Therefore, it has been classified as a Variant of Uncertain Significance.

NM_015346.4(ZFYVE26):c.4184C>T (p.Ala1395Val)

Gene: ZFYVE26 (zinc finger FYVE-type containing 26; minus strand). Cytogenetic location: 14q24.1.
Variant type: single nucleotide variant.
Coding change: c.4184C>T on transcript NM_015346.4 (MANE Select); coding-DNA position 4184, C replaced by T.
Protein change: p.Ala1395Val; replaces alanine 1395 with valine.
Molecular consequence: missense variant.
Genome position (GRCh38, 1-based): chr14:67,782,968, G>A on the plus strand (C>T on the coding strand, the complement: ZFYVE26 is on the minus strand). VCF-style: chr14-67782968-G-A. GRCh37 (hg19) VCF-style: chr14-68249685-G-A.
Other names: short protein forms A1395V.
Identifiers: ClinVar variation 2165625 (VCV002165625.1), dbSNP rs746577074, ClinGen allele CA7239823.
Genomic context (GRCh38, chr14:67,782,968, plus strand): 5'-TCACTCAGTACATCTAGGGCAATGGGAGAATGTAGGCCCAGGAGAACGGTAGAAAGACTG[G>A]CCCAACCACAGAGATTCACTGCCAGACTCTGCCCCTGCTGCAAAGACCCTCGCAGGGGCT-3'
Protein context (NP_056161.2, residues 1385-1405): QSLAVNLCGW[Ala1395Val]SLSTVLLGLH